The following is an entry in ClinVar:

ClinVar aggregate classification (germline): Uncertain significance (1 of 4 stars; one submission).

Submission:

Dasa
Classification: Uncertain significance. Last evaluated: 2026-02-24. Review status: criteria provided, single submitter. Criteria: DASA Assertion Criteria. Collection method: clinical testing. Allele origin: germline.
Comment: NM_015015.3(KDM4B):c.781-294G>A is an intronic variant. This variant is absent from population databases. Computational prediction algorithms are consistent with a deleterious effect. The currently available literature and clinical evidence are not sufficient to establish a definitive association between this variant and the reported condition. Therefore, this variant is classified as a variant of uncertain significance.

NM_015015.3(KDM4B):c.781-294G>A

Gene: KDM4B (lysine demethylase 4B; plus strand). Cytogenetic location: 19p13.3.
Variant type: single nucleotide variant.
Coding change: c.781-294G>A on transcript NM_015015.3 (MANE Select); 294 bases into the intron before coding-DNA position 781, G replaced by A.
Molecular consequence: intron variant.
Genome position (GRCh38, 1-based): chr19:5,082,073, G>A. VCF-style: chr19-5082073-G-A. GRCh37 (hg19) VCF-style: chr19-5082084-G-A.
Other names: c.781-294G>A (NM_001370093.1, NM_001370094.1, NM_001411148.1).
Identifiers: ClinVar variation 4852718 (VCV004852718.2).